The following is an entry in ClinVar:

ClinVar aggregate classification (germline): Uncertain significance (1 of 4 stars; one submission).

Conditions:
Neuromuscular disease caused by qualitative or quantitative defects of dysferlin. Also called: Qualitative or quantitative defects of dysferlin; Dysferlinopathy. Identifiers: Orphanet 207073, MedGen C2931687, MONDO:0016145.

Allele frequency attached by ClinVar (database versions not stated): gnomAD exomes below 0.00001 and 0.00001.
gnomAD v4.1: 5 of 1,614,152 alleles (0.00031%); highest among the groups gnomAD compares: South Asian, 0.0011%; no homozygotes.

Submission:

Labcorp Genetics (formerly Invitae), Labcorp
Classification: Uncertain significance for Neuromuscular disease caused by qualitative or quantitative defects of dysferlin. Last evaluated: 2021-08-26. Review status: criteria provided, single submitter. Criteria: Invitae Variant Classification Sherloc (09022015). Collection method: clinical testing. Allele origin: germline.
Comment: This sequence change replaces aspartic acid with glycine at codon 1649 of the DYSF protein (p.Asp1649Gly). The aspartic acid residue is highly conserved and there is a moderate physicochemical difference between aspartic acid and glycine. This variant is not present in population databases (ExAC no frequency). This variant has not been reported in the literature in individuals affected with DYSF-related conditions. Algorithms developed to predict the effect of missense changes on protein structure and function are either unavailable or do not agree on the potential impact of this missense change (SIFT: "Deleterious"; PolyPhen-2: "Probably Damaging"; Align-GVGD: "Class C0"). In summary, the available evidence is currently insufficient to determine the role of this variant in disease. Therefore, it has been classified as a Variant of Uncertain Significance.

NM_001130987.2(DYSF):c.5063A>G (p.Asp1688Gly)

Gene: DYSF (dysferlin; plus strand). Cytogenetic location: 2p13.2.
Variant type: single nucleotide variant.
Coding change: c.5063A>G on transcript NM_001130987.2 (MANE Select); coding-DNA position 5063, A replaced by G.
Protein change: p.Asp1688Gly; replaces aspartic acid 1688 with glycine.
Molecular consequence: missense variant.
Genome position (GRCh38, 1-based): chr2:71,664,327, A>G. VCF-style: chr2-71664327-A-G. GRCh37 (hg19) VCF-style: chr2-71891457-A-G.
Other names: c.4949A>G, p.Asp1650Gly (NM_001130455.2); c.4904A>G, p.Asp1635Gly (NM_001130976.2); c.4967A>G, p.Asp1656Gly (NM_001130977.2); c.5009A>G, p.Asp1670Gly (NM_001130978.2); c.5039A>G, p.Asp1680Gly (NM_001130979.2); c.4997A>G, p.Asp1666Gly (NM_001130980.2); c.5060A>G, p.Asp1687Gly (NM_001130981.2); c.5042A>G, p.Asp1681Gly (NM_001130982.2); and 5 more; short protein forms D1636G, D1671G, D1681G, D1649G, D1650G, D1656G, D1670G, D1680G.
Identifiers: ClinVar variation 657975 (VCV000657975.6), dbSNP rs1449452722, ClinGen allele CA347220304.